The following is an entry in ClinVar:

NM_024537.4(CARS2):c.1129G>A (p.Ala377Thr)

Gene: CARS2 (cysteinyl-tRNA synthetase 2, mitochondrial; minus strand). Cytogenetic location: 13q34.
Variant type: single nucleotide variant.
Coding change: c.1129G>A on transcript NM_024537.4 (MANE Select); coding-DNA position 1129, G replaced by A.
Protein change: p.Ala377Thr; replaces alanine 377 with threonine.
Molecular consequence: missense variant. On other transcripts: non-coding transcript variant (2).
Genome position (GRCh38, 1-based): chr13:110,647,165, C>T on the plus strand (G>A on the coding strand, the complement: CARS2 is on the minus strand). VCF-style: chr13-110647165-C-T. GRCh37 (hg19) VCF-style: chr13-111299512-C-T.
Other names: c.343G>A, p.Ala115Thr (NM_001352252.2); short protein forms A115T, A377T.
Identifiers: ClinVar variation 962823 (VCV000962823.3), dbSNP rs547702190, ClinGen allele CA7051903.

ClinVar aggregate classification (germline): Uncertain significance (1 of 4 stars; one submission).

Conditions:
Combined oxidative phosphorylation defect type 27. Also called: Combined oxidative phosphorylation deficiency 27. Identifiers: Orphanet 477774, MedGen C5567608, MONDO:0014728, OMIM 616672.

Allele frequency attached by ClinVar (database versions not stated): TOPMed 0.00001; gnomAD 0.00002 and 0.00003; 1000 Genomes Project 30x 0.00016; 1000 Genomes Project 0.00020.
gnomAD v4.1: 29 of 1,612,124 alleles (0.0018%); highest among the groups gnomAD compares: South Asian, 0.013%; no homozygotes.

Submission:

Labcorp Genetics (formerly Invitae), Labcorp
Classification: Uncertain significance for Combined oxidative phosphorylation defect type 27. Last evaluated: 2022-10-13. Review status: criteria provided, single submitter. Criteria: Invitae Variant Classification Sherloc (09022015). Collection method: clinical testing. Allele origin: germline.
Comment: This sequence change replaces alanine, which is neutral and non-polar, with threonine, which is neutral and polar, at codon 377 of the CARS2 protein (p.Ala377Thr). This variant is present in population databases (rs547702190, gnomAD 0.02%). This variant has not been reported in the literature in individuals affected with CARS2-related conditions. ClinVar contains an entry for this variant (Variation ID: 962823). Advanced modeling of protein sequence and biophysical properties (such as structural, functional, and spatial information, amino acid conservation, physicochemical variation, residue mobility, and thermodynamic stability) performed at Invitae indicates that this missense variant is not expected to disrupt CARS2 protein function. In summary, the available evidence is currently insufficient to determine the role of this variant in disease. Therefore, it has been classified as a Variant of Uncertain Significance.